The following is an entry in ClinVar:

ClinVar aggregate classification (germline): Uncertain significance. Review status: criteria provided, multiple submitters, no conflicts (2 of 4 stars). 2 submissions from 2 submitters: Uncertain significance (2). Last evaluated 2024-03-16.

Conditions:
Pulmonary hypertension, primary, 3. Identifiers: Orphanet 422, MedGen C3809192, MONDO:0014135, OMIM 615343.
Pulmonary arterial hypertension associated with congenital heart disease. Identifiers: Orphanet 275803, MedGen C3697119, MONDO:0017152.

Allele frequency attached by ClinVar (database versions not stated): TOPMed 0.00002; gnomAD 0.00001 and 0.00002; gnomAD exomes 0.00001; ESP Exome Variant Server 0.00008.
gnomAD v4.1: 14 of 1,613,756 alleles (0.00087%); highest among the groups gnomAD compares: Non-Finnish European, 0.0012%; no homozygotes.

Submissions (2):

Labcorp Genetics (formerly Invitae), Labcorp
Classification: Uncertain significance for Pulmonary hypertension, primary, 3. Last evaluated: 2024-03-16. Review status: criteria provided, single submitter. Criteria: Invitae Variant Classification Sherloc (09022015). Collection method: clinical testing. Allele origin: germline.
Comment: This sequence change replaces serine, which is neutral and polar, with glycine, which is neutral and non-polar, at codon 80 of the CAV1 protein (p.Ser80Gly). This variant is not present in population databases (gnomAD no frequency). This variant has not been reported in the literature in individuals affected with CAV1-related conditions. ClinVar contains an entry for this variant (Variation ID: 548689). An algorithm developed to predict the effect of missense changes on protein structure and function (PolyPhen-2) suggests that this variant is likely to be disruptive. In summary, the available evidence is currently insufficient to determine the role of this variant in disease. Therefore, it has been classified as a Variant of Uncertain Significance.

Wendy Chung Laboratory, Boston Children's Hospital
Classification: Uncertain significance for Pulmonary arterial hypertension associated with congenital heart disease. Last evaluated: 2018-06-27. Review status: criteria provided, single submitter. Criteria: ACMG Guidelines, 2015. Collection method: case-control. Allele origin: unknown. Affected: yes. Observed: 1 variant allele.

Literature cited by the submitters: PubMed 30029678 (cited by Wendy Chung Laboratory, Boston Children's Hospital).

NM_001753.5(CAV1):c.238A>G (p.Ser80Gly)

Gene: CAV1 (caveolin 1; plus strand). Cytogenetic location: 7q31.2.
Variant type: single nucleotide variant.
Coding change: c.238A>G on transcript NM_001753.5 (MANE Select); coding-DNA position 238, A replaced by G.
Protein change: p.Ser80Gly; replaces serine 80 with glycine.
Molecular consequence: missense variant.
Genome position (GRCh38, 1-based): chr7:116,558,988, A>G. VCF-style: chr7-116558988-A-G. GRCh37 (hg19) VCF-style: chr7-116199042-A-G.
Other names: c.145A>G, p.Ser49Gly (NM_001172895.1, NM_001172896.2, NM_001172897.2); short protein forms S49G, S80G.
Identifiers: ClinVar variation 548689 (VCV000548689.3), dbSNP rs369884333, ClinGen allele CA165438908.